The following is an entry in ClinVar:

NM_004360.5(CDH1):c.60G>A (p.Trp20Ter)

Gene: CDH1 (cadherin 1; plus strand). Cytogenetic location: 16q22.1.
Variant type: single nucleotide variant.
Coding change: c.60G>A on transcript NM_004360.5 (MANE Select); coding-DNA position 60, G replaced by A.
Protein change: p.Trp20Ter; replaces tryptophan 20 with a stop codon.
Molecular consequence: nonsense. On other transcripts: 5 prime UTR variant (2).
Genome position (GRCh38, 1-based): chr16:68,738,308, G>A. VCF-style: chr16-68738308-G-A. GRCh37 (hg19) VCF-style: chr16-68772211-G-A.
Other names: c.60G>A, p.Trp20Ter (NM_001317184.2); c.-1556G>A (NM_001317185.2); c.-1760G>A (NM_001317186.2); c.60G>A (LRG_301t1); short protein forms W20*.
Identifiers: ClinVar variation 187239 (VCV000187239.18), dbSNP rs786203576, ClinGen allele CA197127.

ClinVar aggregate classification (germline): Pathogenic. Review status: reviewed by expert panel (3 of 4 stars). 4 submissions from 4 submitters: Pathogenic (1). 3 of the submissions do not count toward it. Last evaluated 2023-08-29.

Conditions:
Hereditary diffuse gastric adenocarcinoma (HDGC). Also called: DIFFUSE GASTRIC AND LOBULAR BREAST CANCER SYNDROME. Identifiers: Orphanet 26106, MedGen C1708349, MONDO:0007648, OMIM 137215.
CDH1-related diffuse gastric and lobular breast cancer syndrome. Also called: CDH1-related diffuse gastric and lobular breast cancer. Identifiers: MedGen CN311521, MONDO:0100488.
Hereditary cancer-predisposing syndrome. Also called: Hereditary Cancer Syndrome; Neoplastic Syndromes, Hereditary; Tumor predisposition; Hereditary neoplastic syndrome. Identifiers: Orphanet 140162, MedGen C0027672, MeSH D009386, MONDO:0015356.

Submissions (4):

Clingen Gastric Cancer Variant Curation Expert Panel
Classification: Pathogenic for CDH1-related diffuse gastric and lobular breast cancer syndrome. Last evaluated: 2023-08-29. Review status: reviewed by expert panel. Criteria: ClinGen CDH1 ACMG Specifications V3.1. Collection method: curation. Allele origin: germline. Inheritance: Autosomal dominant inheritance.
Comment: The c.60G>A (p.Trp20Ter) variant is predicted to result in a premature stop codon that leads to a truncated or absent protein (PVS1, PM5_Supporting). This variant is absent in the gnomAD cohort (PM2_Supporting). The variant has been reported in at least two families meeting HDGC clinical criteria (PS4_Moderate; PMID: 10072428, 28688938). In summary, this variant meets criteria to be classified as pathogenic based on the ACMG/AMP criteria applied as specified by the CDH1 Variant Curation Expert Panel (Variant Interpretation Guidelines Version 3.1): PVS1, PM2_Supporting, PS4_Moderate, PM5_Supporting.

Ambry Genetics
Classification: Pathogenic for Hereditary cancer-predisposing syndrome. Last evaluated: 2023-09-20. Review status: criteria provided, single submitter. Criteria: Ambry Variant Classification Scheme 2023. Collection method: clinical testing. Allele origin: germline. Not counted in ClinVar's aggregate classification.
Comment: The p.W20* pathogenic mutation (also known as c.60G>A), located in coding exon 2 of the CDH1 gene, results from a G to A substitution at nucleotide position 60. This changes the amino acid from a tryptophan to a stop codon within coding exon 2. A nonsense change occurring at the same amino acid position but at a different nucleotide position, p.W20* (c.59G>A), has been reported in one hereditary diffuse gastric cancer family (Richards FM et al. Hum. Mol. Genet. 1999 Apr; 8(4):607-10). In addition to the clinical data presented in the literature, this alteration is expected to result in loss of function by premature protein truncation or nonsense-mediated mRNA decay. As such, this alteration is interpreted as a disease-causing mutation.

Myriad Genetics, Inc.
Classification: Pathogenic for Hereditary diffuse gastric adenocarcinoma. Last evaluated: 2023-06-08. Review status: criteria provided, single submitter. Criteria: Myriad Autosomal Dominant, Autosomal Recessive and X-Linked Classification Criteria (2023). Collection method: clinical testing. Allele origin: unknown. Not counted in ClinVar's aggregate classification.
Comment: This variant is considered pathogenic. This variant creates a termination codon and is predicted to result in premature protein truncation.

Labcorp Genetics (formerly Invitae), Labcorp
Classification: Pathogenic for Hereditary diffuse gastric adenocarcinoma. Last evaluated: 2022-09-01. Review status: criteria provided, single submitter. Criteria: Invitae Variant Classification Sherloc (09022015). Collection method: clinical testing. Allele origin: germline. Not counted in ClinVar's aggregate classification.
Comment: This variant is not present in population databases (gnomAD no frequency). For these reasons, this variant has been classified as Pathogenic. ClinVar contains an entry for this variant (Variation ID: 187239). This premature translational stop signal has been observed in individual(s) with hereditary diffuse gastric cancer (PMID: 10072428, 28688938). This sequence change creates a premature translational stop signal (p.Trp20*) in the CDH1 gene. It is expected to result in an absent or disrupted protein product. Loss-of-function variants in CDH1 are known to be pathogenic (PMID: 15235021, 20373070).

Literature cited by the submitters: PubMed 28688938 (cited by Clingen Gastric Cancer Variant Curation Expert Panel and Labcorp Genetics (formerly Invitae), Labcorp); PubMed 10072428 (cited by 3 submitters); PubMed 15235021 (cited by Labcorp Genetics (formerly Invitae), Labcorp); PubMed 20373070 (cited by Labcorp Genetics (formerly Invitae), Labcorp).